The following is an entry in ClinVar:

ClinVar aggregate classification (germline): Uncertain significance. Review status: criteria provided, multiple submitters, no conflicts (2 of 4 stars). 4 submissions from 4 submitters: Uncertain significance (4). Last evaluated 2024-10-29.

Conditions:
Inborn genetic diseases. Identifiers: MedGen C0950123, MeSH D030342.
Myofibrillar myopathy 3 (MFM3). Also called: Muscular dystrophy, proximal, type 1A; Autosomal dominant spheroid body myopathy. Identifiers: Orphanet 266, Orphanet 268129, MedGen C3714934, MONDO:0012215, OMIM 609200.

Allele frequency attached by ClinVar (database versions not stated): TOPMed 0.00002.
gnomAD v4.1: 6 of 1,613,764 alleles (0.00037%); highest among the groups gnomAD compares: Non-Finnish European, 0.00051%; no homozygotes.

Submissions (4):

Ambry Genetics
Classification: Uncertain significance for Inborn genetic diseases. Last evaluated: 2024-10-29. Review status: criteria provided, single submitter. Criteria: Ambry Variant Classification Scheme 2023. Collection method: clinical testing. Allele origin: germline.

Athena Diagnostics
Classification: Uncertain significance. Last evaluated: 2020-10-14. Review status: criteria provided, single submitter. Criteria: Athena Diagnostics criteria. Collection method: clinical testing. Allele origin: unknown.

Labcorp Genetics (formerly Invitae), Labcorp
Classification: Uncertain significance for Myofibrillar myopathy 3. Last evaluated: 2017-11-02. Review status: criteria provided, single submitter. Criteria: Invitae Variant Classification Sherloc (09022015). Collection method: clinical testing. Allele origin: germline.
Comment: In summary, the available evidence is currently insufficient to determine the role of this variant in disease. Therefore, it has been classified as a Variant of Uncertain Significance. Algorithms developed to predict the effect of missense changes on protein structure and function do not agree on the potential impact of this missense change (SIFT: "Deleterious"; PolyPhen-2: "Probably Damaging"; Align-GVGD: "Class C0"). This variant has not been reported in the literature in individuals with MYOT-related disease. ClinVar contains an entry for this variant (Variation ID: 286597). This variant is present in population databases (rs370165036, ExAC 0.001%). This sequence change replaces arginine with isoleucine at codon 188 of the MYOT protein (p.Arg188Ile). The arginine residue is highly conserved and there is a moderate physicochemical difference between arginine and isoleucine.

Eurofins Ntd Llc (ga)
Classification: Uncertain significance. Last evaluated: 2016-03-10. Review status: criteria provided, single submitter. Criteria: EGL Classification Definitions 2015. Collection method: clinical testing. Allele origin: germline. Observed: 1 variant allele, 1 heterozygote.

NM_006790.3(MYOT):c.563G>T (p.Arg188Ile)

Genes: MYOT (myotilin; plus strand), PKD2L2-DT (PKD2L2 divergent transcript; minus strand). Cytogenetic location: 5q31.2.
Variant type: single nucleotide variant.
Coding change: c.563G>T on transcript NM_006790.3 (MANE Select); coding-DNA position 563, G replaced by T.
Protein change: p.Arg188Ile; replaces arginine 188 with isoleucine.
Molecular consequence: missense variant.
Genome position (GRCh38, 1-based): chr5:137,877,551, G>T. VCF-style: chr5-137877551-G-T. GRCh37 (hg19) VCF-style: chr5-137213240-G-T.
Other names: c.11G>T, p.Arg4Ile (NM_001135940.2); c.218G>T, p.Arg73Ile (NM_001300911.2); short protein forms R188I, R4I, R73I.
Identifiers: ClinVar variation 286597 (VCV000286597.15), dbSNP rs370165036, ClinGen allele CA3422954.